The following is an entry in ClinVar:

NM_001040108.2(MLH3):c.214C>G (p.Arg72Gly)

Gene: MLH3 (mutL homolog 3; minus strand). Cytogenetic location: 14q24.3.
Variant type: single nucleotide variant.
Coding change: c.214C>G on transcript NM_001040108.2 (MANE Select); coding-DNA position 214, C replaced by G.
Protein change: p.Arg72Gly; replaces arginine 72 with glycine.
Molecular consequence: missense variant.
Genome position (GRCh38, 1-based): chr14:75,049,442, G>C on the plus strand (C>G on the coding strand, the complement: MLH3 is on the minus strand). VCF-style: chr14-75049442-G-C. GRCh37 (hg19) VCF-style: chr14-75516145-G-C.
Other names: c.214C>G, p.Arg72Gly (NM_014381.3); short protein forms R72G.
Identifiers: ClinVar variation 1786712 (VCV001786712.7), dbSNP rs370545907, ClinGen allele CA390451332.
Genomic context (GRCh38, chr14:75,049,442, plus strand): 5'-AACCATAAAACCTTGGATTCTCCAAGTCCTGTACCGAGTGGCATTTACTGGTGAAATAAC[G>C]ATTTCCCACTTTCTCTACATCATCACTCCCCATCCCAAATCCATTGTCTATCACTTGAAC-3'
Protein context (NP_001035197.1, residues 62-82): GSDDVEKVGN[Arg72Gly]YFTSKCHSVQ

ClinVar aggregate classification (germline): Uncertain significance. Review status: criteria provided, multiple submitters, no conflicts (2 of 4 stars). 2 submissions from 2 submitters: Uncertain significance (2). Last evaluated 2024-03-23.

Conditions:
Colorectal cancer, hereditary nonpolyposis, type 7. Identifiers: Orphanet 144, MedGen C1858380, MONDO:0013725, OMIM 614385.

gnomAD v4.1: 2 of 1,613,976 alleles (0.00012%); highest among the groups gnomAD compares: Non-Finnish European, 0.00017%; no homozygotes.

Submissions (2):

Ambry Genetics
Classification: Uncertain significance. Last evaluated: 2024-03-23. Review status: criteria provided, single submitter. Criteria: Ambry Variant Classification Scheme 2023. Collection method: clinical testing. Allele origin: germline.
Comment: The p.R72G variant (also known as c.214C>G), located in coding exon 1 of the MLH3 gene, results from a C to G substitution at nucleotide position 214. The arginine at codon 72 is replaced by glycine, an amino acid with dissimilar properties. This amino acid position is conserved. In addition, this alteration is predicted to be deleterious by in silico analysis. Since supporting evidence is limited at this time, the clinical significance of this alteration remains unclear.

Labcorp Genetics (formerly Invitae), Labcorp
Classification: Uncertain significance for Colorectal cancer, hereditary nonpolyposis, type 7. Last evaluated: 2022-06-16. Review status: criteria provided, single submitter. Criteria: Invitae Variant Classification Sherloc (09022015). Collection method: clinical testing. Allele origin: germline.
Comment: This variant has not been reported in the literature in individuals affected with MLH3-related conditions. Algorithms developed to predict the effect of missense changes on protein structure and function are either unavailable or do not agree on the potential impact of this missense change (SIFT: "Deleterious"; PolyPhen-2: "Probably Damaging"; Align-GVGD: "Class C0"). In summary, the available evidence is currently insufficient to determine the role of this variant in disease. Therefore, it has been classified as a Variant of Uncertain Significance. This variant is present in population databases (no rsID available, gnomAD 0.0009%). This sequence change replaces arginine, which is basic and polar, with glycine, which is neutral and non-polar, at codon 72 of the MLH3 protein (p.Arg72Gly).